The following is an entry in ClinVar:

ClinVar aggregate classification (germline): Uncertain significance. Review status: criteria provided, multiple submitters, no conflicts (2 of 4 stars). 2 submissions from 2 submitters: Uncertain significance (2). Last evaluated 2022-09-09.

Conditions:
Inborn genetic diseases. Identifiers: MedGen C0950123, MeSH D030342.
Hereditary sensory and autonomic neuropathy type 6. Also called: Neuropathy, hereditary sensory and autonomic, type VI; HSAN VI. Identifiers: Orphanet 314381, MedGen C3539003, MONDO:0013839, OMIM 614653.
Epidermolysis bullosa simplex 3, localized or generalized intermediate, with BP230 deficiency (EBS3). Also called: Epidermolysis bullosa simplex, autosomal recessive 2; Epidermolysis bullosa simplex due to BP230 deficiency. Identifiers: Orphanet 412181, MedGen C3809470, MONDO:0014180, OMIM 615425.

Allele frequency attached by ClinVar (database versions not stated): TOPMed 0.00001; gnomAD exomes 0.00003.
gnomAD v4.1: 18 of 1,574,084 alleles (0.0011%); highest among the groups gnomAD compares: Middle Eastern, 0.017%; no homozygotes.

Submissions (2):

Ambry Genetics
Classification: Uncertain significance for Inborn genetic diseases. Last evaluated: 2022-09-09. Review status: criteria provided, single submitter. Criteria: Ambry Variant Classification Scheme 2023. Collection method: clinical testing. Allele origin: germline.
Comment: The p.K1783E variant (also known as c.5347A>G), located in coding exon 40 of the DST gene, results from an A to G substitution at nucleotide position 5347. The lysine at codon 1783 is replaced by glutamic acid, an amino acid with similar properties. This amino acid position is well conserved in available vertebrate species. In addition, this alteration is predicted to be tolerated by in silico analysis. Since supporting evidence is limited at this time, the clinical significance of this alteration remains unclear.

Labcorp Genetics (formerly Invitae), Labcorp
Classification: Uncertain significance for Epidermolysis bullosa simplex 3, localized or generalized intermediate, with BP230 deficiency; Hereditary sensory and autonomic neuropathy type 6. Last evaluated: 2022-04-07. Review status: criteria provided, single submitter. Criteria: Invitae Variant Classification Sherloc (09022015). Collection method: clinical testing. Allele origin: germline.
Comment: The DST gene has multiple clinically relevant transcripts. This variant occurs in alternate transcript NM_015548.4, and corresponds to NM_001723.5:c.*16817A>G in the primary transcript. This sequence change replaces lysine, which is basic and polar, with glutamic acid, which is acidic and polar, at codon 1279 of the DST protein (p.Lys1279Glu). This variant is present in population databases (rs375330871, gnomAD 0.05%). This variant has not been reported in the literature in individuals affected with DST-related conditions. ClinVar contains an entry for this variant (Variation ID: 1039945). Experimental studies and prediction algorithms are not available or were not evaluated, and the functional significance of this variant is currently unknown. In summary, the available evidence is currently insufficient to determine the role of this variant in disease. Therefore, it has been classified as a Variant of Uncertain Significance.

NM_001374736.1(DST):c.11704A>G (p.Lys3902Glu)

Gene: DST (dystonin; minus strand). Cytogenetic location: 6p12.1.
Variant type: single nucleotide variant.
Coding change: c.11704A>G on transcript NM_001374736.1 (MANE Select); coding-DNA position 11704, A replaced by G.
Protein change: p.Lys3902Glu; replaces lysine 3902 with glutamic acid.
Molecular consequence: missense variant.
Genome position (GRCh38, 1-based): chr6:56,598,700, T>C on the plus strand (A>G on the coding strand, the complement: DST is on the minus strand). VCF-style: chr6-56598700-T-C. GRCh37 (hg19) VCF-style: chr6-56463498-T-C.
Other names: c.5347A>G, p.Lys1783Glu (NM_001144769.5); c.4933A>G, p.Lys1645Glu (NM_001144770.2); c.11704A>G, p.Lys3902Glu (NM_001374722.1); c.11071A>G, p.Lys3691Glu (NM_001374729.1); c.4813A>G, p.Lys1605Glu (NM_001374730.1, NM_001386100.1, NM_183380.4); c.11731A>G, p.Lys3911Glu (NM_001374734.1); c.3835A>G, p.Lys1279Glu (NM_015548.5); short protein forms K1279E, K1605E, K1645E, K1783E, K3902E, K3691E, K3911E.
Identifiers: ClinVar variation 1039945 (VCV001039945.6), dbSNP rs375330871, ClinGen allele CA3868588.